The following is an entry in ClinVar:

NM_000059.4(BRCA2):c.4382C>T (p.Ser1461Phe)

Gene: BRCA2 (BRCA2 DNA repair associated; plus strand). Cytogenetic location: 13q13.1.
Variant type: single nucleotide variant.
Coding change: c.4382C>T on transcript NM_000059.4 (MANE Select); coding-DNA position 4382, C replaced by T.
Protein change: p.Ser1461Phe; replaces serine 1461 with phenylalanine.
Molecular consequence: missense variant.
Genome position (GRCh38, 1-based): chr13:32,338,737, C>T. VCF-style: chr13-32338737-C-T. GRCh37 (hg19) VCF-style: chr13-32912874-C-T.
Other names: short protein forms S1461F.
Identifiers: ClinVar variation 824845 (VCV000824845.16), dbSNP rs1593902185, ClinGen allele CA387781059.

ClinVar aggregate classification (germline): Conflicting classifications of pathogenicity. Review status: criteria provided, conflicting classifications (1 of 4 stars). 4 submissions from 4 submitters: Uncertain significance (3); Likely benign (1). Last evaluated 2023-09-18.

Conditions:
Hereditary cancer-predisposing syndrome. Also called: Neoplastic Syndromes, Hereditary; Tumor predisposition; Hereditary neoplastic syndrome; Hereditary Cancer Syndrome. Identifiers: Orphanet 140162, MedGen C0027672, MeSH D009386, MONDO:0015356.
Hereditary breast ovarian cancer syndrome. Also called: Hereditary breast and ovarian cancer syndrome; Hereditary breast and ovarian cancer; Hereditary breast and ovarian cancer syndrome (HBOC); Breast and ovarian cancer; Hereditary breast and/or ovarian cancer syndrome; BRCA1- and BRCA2-Associated Hereditary Breast and Ovarian Cancer. Identifiers: Orphanet 145, MedGen C0677776, MeSH D061325, MONDO:0003582. Disease mechanism: loss of function.

Submissions (4):

Color Diagnostics, LLC DBA Color Health
Classification: Uncertain significance for Hereditary cancer-predisposing syndrome. Last evaluated: 2023-09-18. Review status: criteria provided, single submitter. Criteria: ACMG Guidelines, 2015. Collection method: clinical testing. Allele origin: germline.
Comment: This missense variant replaces serine with phenylalanine at codon 1461 of the BRCA2 protein. Computational prediction suggests that this variant may not impact protein structure and function (internally defined REVEL score threshold <= 0.5, PMID: 27666373). To our knowledge, functional studies have not been reported for this variant. This variant has not been reported in individuals affected with BRCA2-related disorders in the literature. This variant has not been identified in the general population by the Genome Aggregation Database (gnomAD). The available evidence is insufficient to determine the role of this variant in disease conclusively. Therefore, this variant is classified as a Variant of Uncertain Significance.

Ambry Genetics
Classification: Uncertain significance for Hereditary cancer-predisposing syndrome. Last evaluated: 2023-07-27. Review status: criteria provided, single submitter. Criteria: Ambry Variant Classification Scheme 2023. Collection method: clinical testing. Allele origin: germline.
Comment: The p.S1461F variant (also known as c.4382C>T), located in coding exon 10 of the BRCA2 gene, results from a C to T substitution at nucleotide position 4382. The serine at codon 1461 is replaced by phenylalanine, an amino acid with highly dissimilar properties. This amino acid position is well conserved in available vertebrate species. In addition, this alteration is predicted to be tolerated by in silico analysis. Since supporting evidence is limited at this time, the clinical significance of this alteration remains unclear.

University of Washington Department of Laboratory Medicine, University of Washington
Classification: Likely benign for Hereditary cancer-predisposing syndrome. Last evaluated: 2023-03-23. Review status: criteria provided, single submitter. Criteria: Dines et al. (Genet Med. 2020). Collection method: curation. Allele origin: germline.
Comment: Missense variant in a coldspot region where missense variants are very unlikely to be pathogenic (PMID:31911673).

BRCA2 exon 11 coldspot. Reclassification based on statistical prior probability.

Labcorp Genetics (formerly Invitae), Labcorp
Classification: Uncertain significance for Hereditary breast ovarian cancer syndrome. Last evaluated: 2022-09-10. Review status: criteria provided, single submitter. Criteria: Invitae Variant Classification Sherloc (09022015). Collection method: clinical testing. Allele origin: germline.
Comment: In summary, the available evidence is currently insufficient to determine the role of this variant in disease. Therefore, it has been classified as a Variant of Uncertain Significance. Advanced modeling of protein sequence and biophysical properties (such as structural, functional, and spatial information, amino acid conservation, physicochemical variation, residue mobility, and thermodynamic stability) performed at Invitae indicates that this missense variant is not expected to disrupt BRCA2 protein function. ClinVar contains an entry for this variant (Variation ID: 824845). This variant has not been reported in the literature in individuals affected with BRCA2-related conditions. This variant is not present in population databases (gnomAD no frequency). This sequence change replaces serine, which is neutral and polar, with phenylalanine, which is neutral and non-polar, at codon 1461 of the BRCA2 protein (p.Ser1461Phe).